The following is an entry in ClinVar:

ClinVar aggregate classification (germline): Pathogenic. Review status: criteria provided, multiple submitters, no conflicts (2 of 4 stars). 4 submissions from 4 submitters: Pathogenic (4). Last evaluated 2024-11-12.

Conditions:
Tuberous sclerosis 2 (TSC2). Identifiers: Orphanet 805, MedGen C1860707, MONDO:0013199, OMIM 613254.

Submissions (4):

3billion
Classification: Pathogenic for Tuberous sclerosis 2. Last evaluated: 2024-11-12. Review status: criteria provided, single submitter. Criteria: ACMG Guidelines, 2015. Collection method: clinical testing. Allele origin: germline. Affected: yes.
Comment: The variant is not observed in the gnomAD v4.1.0 dataset. Predicted Consequence/Location: Stop-gained (nonsense): predicted to result in a loss or disruption of normal protein function through nonsense-mediated decay (NMD) or protein truncation. Multiple pathogenic variants are reported downstream of the variant. The variant has been reported at least twice as pathogenic with clinical assertions and evidence for the classification (ClinVar ID: VCV000207780 /PMID: 35870981). Therefore, this variant is classified as Pathogenic according to the recommendation of ACMG/AMP guideline.

Labcorp Genetics (formerly Invitae), Labcorp
Classification: Pathogenic for Tuberous sclerosis 2. Last evaluated: 2023-06-18. Review status: criteria provided, single submitter. Criteria: Invitae Variant Classification Sherloc (09022015). Collection method: clinical testing. Allele origin: germline.
Comment: For these reasons, this variant has been classified as Pathogenic. ClinVar contains an entry for this variant (Variation ID: 207780). This premature translational stop signal has been observed in individual(s) with clinical features of TSC2-related conditions (PMID: 21520333). This variant is not present in population databases (gnomAD no frequency). This sequence change creates a premature translational stop signal (p.Trp1060*) in the TSC2 gene. It is expected to result in an absent or disrupted protein product. Loss-of-function variants in TSC2 are known to be pathogenic (PMID: 10205261, 17304050).

Genome-Nilou Lab
Classification: Pathogenic for Tuberous sclerosis 2. Last evaluated: 2021-11-07. Review status: criteria provided, single submitter. Criteria: ACMG Guidelines, 2015. Collection method: clinical testing. Allele origin: germline. Affected: no.

GeneDx
Classification: Pathogenic. Last evaluated: 2016-10-01. Review status: criteria provided, single submitter. Criteria: GeneDx Variant Classification (06012015). Collection method: clinical testing. Allele origin: germline. Affected: yes.
Comment: p.Trp1060Ter (TGG>TGA): c.3180 G>A in exon 28 of the TSC2 gene (NM_000548.3) The variant is found in TUBSC-EPIV2 panel(s). The W1060X nonsense mutation in the TSC2 gene is predicted to cause loss of normal protein function either through protein truncation or nonsense-mediated mRNA decay. This mutation has not been reported previously to our knowledge. This variant is found in TSC2 panel(s).

Literature cited by the submitters: PubMed 35870981 (cited by 3billion); PubMed 21520333 (cited by Labcorp Genetics (formerly Invitae), Labcorp); PubMed 10205261 (cited by Labcorp Genetics (formerly Invitae), Labcorp); PubMed 17304050 (cited by Labcorp Genetics (formerly Invitae), Labcorp).

NM_000548.5(TSC2):c.3180G>A (p.Trp1060Ter)

Gene: TSC2 (TSC complex subunit 2; plus strand). Cytogenetic location: 16p13.3.
Variant type: single nucleotide variant.
Coding change: c.3180G>A on transcript NM_000548.5 (MANE Select); coding-DNA position 3180, G replaced by A.
Protein change: p.Trp1060Ter; replaces tryptophan 1060 with a stop codon.
Molecular consequence: nonsense.
Genome position (GRCh38, 1-based): chr16:2,079,324, G>A. VCF-style: chr16-2079324-G-A. GRCh37 (hg19) VCF-style: chr16-2129325-G-A.
Other names: p.W1060*:TGG>TGA; c.3048G>A, p.Trp1016Ter (NM_001077183.3, NM_001370404.1); c.3180G>A, p.Trp1060Ter (NM_001114382.3); c.2940G>A, p.Trp980Ter (NM_001318827.2); c.2904G>A, p.Trp968Ter (NM_001318829.2); c.2448G>A, p.Trp816Ter (NM_001318831.2); c.3081G>A, p.Trp1027Ter (NM_001318832.2); c.3051G>A, p.Trp1017Ter (NM_001363528.2, NM_001370405.1, NM_021055.3); short protein forms W1060*, W1016*, W1027*, W816*, W968*, W980*, W1017*.
Identifiers: ClinVar variation 207780 (VCV000207780.13), dbSNP rs796053509, ClinGen allele CA319583.